The following is an entry in ClinVar:

ClinVar aggregate classification (germline): Uncertain significance (1 of 4 stars; one submission).

Conditions:
Marfan syndrome (MFS). Also called: MARFAN SYNDROME, TYPE I; Marfan syndrome type 1; Marfan's syndrome; Marfan syndrome, classic; FBN1-Related Marfan Syndrome. Identifiers: Orphanet 284963, Orphanet 558, MedGen C0024796, MONDO:0007947, OMIM 154700.

Submission:

MVZ Medizinische Genetik Mainz
Classification: Uncertain significance for Marfan syndrome. Last evaluated: 2023-05-09. Review status: criteria provided, single submitter. Criteria: UK Practice Guidelines For Variant Classification V4 01 2020. Collection method: clinical testing. Allele origin: germline. Inheritance: Autosomal dominant inheritance. Affected: yes. Observed: 1 variant allele.
Comment: ACMG Criteria: PM2_SUP, PP3

NM_000138.5(FBN1):c.8226G>A (p.Glu2742=)

Gene: FBN1 (fibrillin 1; minus strand). Cytogenetic location: 15q21.1.
Variant type: single nucleotide variant.
Coding change: c.8226G>A on transcript NM_000138.5 (MANE Select); coding-DNA position 8226, G replaced by A.
Protein change: p.Glu2742=; no amino-acid change (glutamic acid 2742 retained).
Molecular consequence: synonymous variant.
Genome position (GRCh38, 1-based): chr15:48,412,569, C>T on the plus strand (G>A on the coding strand, the complement: FBN1 is on the minus strand). VCF-style: chr15-48412569-C-T. GRCh37 (hg19) VCF-style: chr15-48704766-C-T.
Other names: c.8226G>A, p.Glu2742= (NM_001406716.1).
Identifiers: ClinVar variation 3236156 (VCV003236156.1), dbSNP rs1060501045, ClinGen allele CA490014404.
Genomic context (GRCh38, chr15:48,412,569, plus strand): 5'-AGGAATCTGGAAGGGCTTTCCACCACAGGAGACATCAGGAGAAACTAACTTCTGACCCAC[C>T]TCGATATTGGAGGCATCAGTTTCGTTTGTGCTTCTCCGTTTCCTGCCCCGTTTGGGGTAG-3'
Protein context (NP_000129.3, residues 2732-2752): STNETDASNI[Glu2742=]DQSETEANVS